The following is an entry in ClinVar:

ClinVar aggregate classification (germline): Uncertain significance. Review status: criteria provided, multiple submitters, no conflicts (2 of 4 stars). 5 submissions from 5 submitters: Uncertain significance (5). Last evaluated 2025-04-30.

Conditions:
Inborn genetic diseases. Identifiers: MedGen C0950123, MeSH D030342.
C3 glomerulonephritis. Also called: C3 GLOMERULOPATHY 3; Nephropathy due to CFHR5 Deficiency. Identifiers: Orphanet 329931, MedGen C4055342, MONDO:0013892, OMIM 614809.
CFHR5 deficiency. Identifiers: MedGen C3553720.

Allele frequency attached by ClinVar (database versions not stated): gnomAD exomes below 0.00001; gnomAD 0.00002; TOPMed 0.00001.
gnomAD v4.1: 17 of 1,611,922 alleles (0.0011%); highest among the groups gnomAD compares: Admixed American, 0.005%; no homozygotes.

Submissions (5):

Ambry Genetics
Classification: Uncertain significance for Inborn genetic diseases. Last evaluated: 2025-04-30. Review status: criteria provided, single submitter. Criteria: Ambry Variant Classification Scheme 2023. Collection method: clinical testing. Allele origin: germline.

Mayo Clinic Laboratories, Mayo Clinic
Classification: Uncertain significance. Last evaluated: 2025-03-12. Review status: criteria provided, single submitter. Criteria: ACMG Guidelines, 2015. Collection method: clinical testing. Allele origin: germline. Observed: 2 variant alleles.
Comment: BP1, BP4_moderate, PM2_supporting

Fulgent Genetics
Classification: Uncertain significance for C3 glomerulonephritis. Last evaluated: 2024-02-29. Review status: criteria provided, single submitter. Criteria: ACMG Guidelines, 2015. Collection method: clinical testing. Allele origin: germline.

Genome-Nilou Lab
Classification: Uncertain significance for C3 glomerulonephritis. Last evaluated: 2023-04-11. Review status: criteria provided, single submitter. Criteria: ACMG Guidelines, 2015. Collection method: clinical testing. Allele origin: germline. Affected: no.

Revvity Omics, Revvity
Classification: Uncertain significance for C3 glomerulonephritis. Last evaluated: 2022-01-17. Review status: criteria provided, single submitter. Criteria: ACMG Guidelines, 2015. Collection method: clinical testing. Allele origin: germline.

NM_030787.4(CFHR5):c.1699A>G (p.Ile567Val)

Gene: CFHR5 (complement factor H related 5; plus strand). Cytogenetic location: 1q31.3.
Variant type: single nucleotide variant.
Coding change: c.1699A>G on transcript NM_030787.4 (MANE Select); coding-DNA position 1699, A replaced by G.
Protein change: p.Ile567Val; replaces isoleucine 567 with valine.
Molecular consequence: missense variant.
Genome position (GRCh38, 1-based): chr1:197,008,672, A>G. VCF-style: chr1-197008672-A-G. GRCh37 (hg19) VCF-style: chr1-196977802-A-G.
Other names: p.Ile567Val; short protein forms I567V.
Identifiers: ClinVar variation 2373739 (VCV002373739.10), dbSNP rs915090892, ClinGen allele CA35851524.